The following is an entry in ClinVar:

ClinVar aggregate classification (germline): Pathogenic/Likely pathogenic. Review status: criteria provided, multiple submitters, no conflicts (2 of 4 stars). 15 submissions from 15 submitters: Pathogenic (12); Likely pathogenic (1). 2 of the submissions do not count toward it. Last evaluated 2026-01-28.

Conditions:
Paediatric disorders.
Cockayne syndrome type 2 (CSB). Also called: COCKAYNE SYNDROME B; Cockayne Syndrome, Type II. Identifiers: Orphanet 191, Orphanet 90322, MedGen C0751038, MONDO:0019570, OMIM 133540.
UV-sensitive syndrome 1 (UVSS1). Identifiers: Orphanet 178338, MedGen C3551173, MONDO:0010909, OMIM 600630.
Lung cancer. Also called: Malignant tumor of lung; Lung cancer, somatic. Identifiers: MedGen C0242379, MONDO:0008903, OMIM 211980.
Premature ovarian failure 11 (POF11). Identifiers: MedGen C4310783, MONDO:0014843, OMIM 616946.
DE SANCTIS-CACCHIONE SYNDROME. Identifiers: MedGen C0265201, MONDO:0010217, OMIM 278800.
Age related macular degeneration 5. Identifiers: MedGen C3151063, MONDO:0013409, OMIM 613761.
Cerebrooculofacioskeletal syndrome 1 (COFS1). Also called: Cerebro-oculo-facio-skeletal syndrome 1. Identifiers: MedGen C0220722, MONDO:0008955, OMIM 214150.
ERCC6-related disorder. Also called: ERCC6-related condition; ERCC6-related disorders. Identifiers: MedGen CN239385.
Cockayne syndrome. Identifiers: Orphanet 191, MedGen C0009207, MONDO:0016006.
Inborn genetic diseases. Identifiers: MedGen C0950123, MeSH D030342.

Allele frequency attached by ClinVar (database versions not stated): ExAC 0.00004; gnomAD 0.00009; gnomAD exomes 0.00006; ESP Exome Variant Server 0.00031; TOPMed 0.00011.
gnomAD v4.1: 402 of 1,613,370 alleles (0.025%); highest among the groups gnomAD compares: Non-Finnish European, 0.033%; no homozygotes.

Submissions (15):

Labcorp Genetics (formerly Invitae), Labcorp
Classification: Pathogenic. Last evaluated: 2026-01-28. Review status: criteria provided, single submitter. Criteria: Invitae Variant Classification Sherloc (09022015). Collection method: clinical testing. Allele origin: germline.
Comment: This sequence change creates a premature translational stop signal (p.Gln723*) in the ERCC6 gene. It is expected to result in an absent or disrupted protein product. Loss-of-function variants in ERCC6 are known to be pathogenic (PMID: 18628313, 29572252). This variant is present in population databases (rs151242354, gnomAD 0.02%). This premature translational stop signal has been observed in individual(s) with Cockayne syndrome (PMID: 19894250). ClinVar contains an entry for this variant (Variation ID: 190160). Algorithms developed to predict the effect of sequence changes on RNA splicing suggest that this variant may disrupt the consensus splice site. For these reasons, this variant has been classified as Pathogenic.

North West Genomic Laboratory Hub, Manchester University NHS Foundation Trust
Classification: Pathogenic for Paediatric disorders. Last evaluated: 2025-09-15. Review status: criteria provided, single submitter. Criteria: ACGS Best Practice Guidelines for Variant Classification in Rare Disease 2024. Collection method: clinical testing. Allele origin: germline. Affected: yes.
Comment: PVS1_VStr PM2_Mod PM3_VStr

Fulgent Genetics
Classification: Pathogenic for Cockayne syndrome type 2; Lung cancer; Cerebrooculofacioskeletal syndrome 1; DE SANCTIS-CACCHIONE SYNDROME; UV-sensitive syndrome 1; Age related macular degeneration 5; Premature ovarian failure 11. Last evaluated: 2024-03-31. Review status: criteria provided, single submitter. Criteria: ACMG Guidelines, 2015. Collection method: clinical testing. Allele origin: germline.

Ambry Genetics
Classification: Pathogenic for Inborn genetic diseases. Last evaluated: 2023-07-17. Review status: criteria provided, single submitter. Criteria: Ambry Variant Classification Scheme 2023. Collection method: clinical testing. Allele origin: germline.
Comment: The c.2167C>T (p.Q723*) alteration, located in exon 10 (coding exon 9) of the ERCC6 gene, consists of a C to T substitution at nucleotide position 2167. This changes the amino acid from a glutamine (Q) to a stop codon at amino acid position 723. This alteration is expected to result in loss of function by premature protein truncation or nonsense-mediated mRNA decay. Based on data from gnomAD, the T allele has an overall frequency of 0.007% (20/282734) total alleles studied. The highest observed frequency was 0.013% (17/129108) of European (non-Finnish) alleles. This variant has been reported to be homozygous or compound heterozygous in multiple individuals with features consistent with ERCC6-related disorders (Laugel, 2010; Calmels, 2018). Based on the available evidence, this alteration is classified as pathogenic.

Molecular Genetics, Royal Melbourne Hospital
Classification: Pathogenic for Cockayne syndrome type 2. Last evaluated: 2023-03-30. Review status: criteria provided, single submitter. Criteria: ACMG Guidelines, 2015. Collection method: clinical testing. Allele origin: germline. Affected: no.
Comment: This sequence change is predicted to create a premature termination codon at position 723 in exon 10 (of 21) of ERCC6, p.(Gln723*). However, it has been demonstrated in RNA assays that this variant causes in-frame exon 10 skipping (p.Phe665_Gln723del) leading to the removal of the helical-like domain III, which the role of is not well-established (PMID: 29572252). The variant is present in a large population cohort at a frequency of 0.007%, which is consistent with a recessive condition (rs151242354, 20/282,734 alleles, 0 homozygotes in gnomAD v2.1). The variant has been identified as homozygous and compound heterozygous with a second pathogenic allele in multiple individuals with Cockayne syndrome spanning the full phenotype spectrum and mostly originating from the United Kingdom (PMID: 25326635, 29572252). Defective post-UV recovery of RNA synthesis has also been demonstrated in the cells of affected individuals (PMID: 29572252). Based on the classification scheme RMH ACMG Guidelines v1.2.1, this variant is classified as PATHOGENIC. Following criteria are met: PM3_VeryStrong, PVS1_Moderate, PM2, PP4.

Revvity Omics, Revvity
Classification: Likely pathogenic. Last evaluated: 2022-10-20. Review status: criteria provided, single submitter. Criteria: ACMG Guidelines, 2015. Collection method: clinical testing. Allele origin: germline.

GeneDx
Classification: Pathogenic. Last evaluated: 2022-08-04. Review status: criteria provided, single submitter. Criteria: GeneDx Variant Classification Process June 2021. Collection method: clinical testing. Allele origin: germline. Affected: yes.
Comment: Nonsense variant predicted to result in protein truncation or nonsense mediated decay in a gene for which loss-of-function is a known mechanism of disease; This variant is associated with the following publications: (PMID: 21228398, 19894250, 23311583, 25326635, 27356891, 29572252, 31980526)

Women's Health and Genetics/Laboratory Corporation of America, LabCorp
Classification: Pathogenic for Cockayne syndrome. Last evaluated: 2022-06-20. Review status: criteria provided, single submitter. Criteria: LabCorp Variant Classification Summary - May 2015. Collection method: clinical testing. Allele origin: germline.
Comment: Variant summary: ERCC6 c.2167C>T (p.Gln723X) results in a premature termination codon, predicted to cause a truncation of the encoded protein or absence of the protein due to nonsense mediated decay, which are commonly known mechanisms for disease. Truncations downstream of this position have been classified as pathogenic (e.g. c.3862C>T (p.Arg1288X); c.2569C>T (p.Arg857X); ClinVar). The variant allele was found at a frequency of 6.4e-05 in 251352 control chromosomes. This frequency is not significantly higher than expected for a pathogenic variant in ERCC6 causing Cockayne Syndrome (6.4e-05 vs 0.0016). c.2167C>T has been reported in the literature in multiple homozygous and compound heterozygous individuals affected with Cockayne Syndrome and is seen primarily in individuals from the UK, suggesting a potential founder effect (e.g. Laugel_2010, Clamels_2018). These data indicate that the variant is very likely to be associated with disease. Six clinical diagnostic laboratories have submitted clinical-significance assessments for this variant to ClinVar after 2014. Five laboratories classified the variant as pathogenic and one as likely pathogenic. Based on the evidence outlined above, the variant was classified as pathogenic.

Blueprint Genetics
Classification: Pathogenic for ERCC6-related disorders. Last evaluated: 2021-11-26. Review status: criteria provided, single submitter. Criteria: ACMG Guidelines, 2015. Collection method: clinical testing. Allele origin: germline. Affected: yes. Observed: 4 variant alleles.

Victorian Clinical Genetics Services, Murdoch Childrens Research Institute
Classification: Pathogenic for Cockayne syndrome type 2. Last evaluated: 2020-05-21. Review status: criteria provided, single submitter. Criteria: ACMG Guidelines, 2015. Collection method: clinical testing. Allele origin: germline. Inheritance: Autosomal recessive inheritance.
Comment: Based on the classification scheme VCGS_Germline_v1.1.1, this variant is classified as pathogenic. Following criteria are met: 0102 - Loss-of-function is a known mechanism of disease for this gene. (N) 0108 - This gene is known to be associated with both recessive and dominant disease. However only recessive inheritance has been reported for Cockayne syndrome, type B (OMIM) (N) 0201 - Variant is predicted to cause nonsense-mediated decay (NMD) and loss of protein (exon 10 of 21). (P) 0251 - Variant is heterozygous. (N) 0304 - Variant is present in gnomAD <0.01 for a recessive condition (22 heterozygous, 0 homozygous). (P) 0701 - Comparable variants also predicted to result in NMD, have very strong previous evidence for pathogenicity for Cockayne syndrome (ClinVar, Decipher). (N) Legend: (P) - Pathogenic, (N) - Neutral, (B) - Benign

Illumina Laboratory Services, Illumina
Classification: Pathogenic for ERCC6-Related Disorders. Last evaluated: 2018-12-10. Review status: criteria provided, single submitter. Criteria: ICSL Variant Classification Criteria 09 May 2019. Collection method: clinical testing. Allele origin: germline.
Comment: The ERCC6 c.2167C>T (p.Gln723Ter) variant is a stop-gained in the splice region variant that is predicted to result in premature truncation of the protein. The p.Gln723Ter variant has been reported in two studies in which it is found in a total of 12 individuals affected with Cockayne syndrome-B, including in two in a homozygous state and in ten in a compound heterozygous state with a unique null variant (Laugel et al. 2010; Calmels et al. 2018). Control data are unavailable for this variant, which is reported at a frequency of 0.00047 in the European American population of the Exome Sequencing Project. The p.Gln723Ter variant has not been reported in the literature in association with macular degeneration or cerebrooculofacioskeletal syndrome. Based on the collective evidence and the potential impact of stop-gained variants, the p.Gln723Ter variant is classified as pathogenic for ERCC6-related disorders. This variant was observed by ICSL as part of a predisposition screen in an ostensibly healthy population.

Baylor Genetics
Classification: Pathogenic for Cockayne syndrome type 2. Last evaluated: 2017-09-01. Review status: criteria provided, single submitter. Criteria: ACMG Guidelines, 2015. Collection method: clinical testing. Allele origin: germline. Inheritance: Autosomal recessive inheritance. Affected: yes.
Comment: Heterozygotes are expected to be asymptomatic carriers.

Claritas Genomics
Classification: Pathogenic for Cockayne syndrome, type B. Last evaluated: 2013-01-07. Review status: criteria provided, single submitter. Criteria: ACMG Guidelines, 2007. Collection method: clinical testing. Allele origin: germline. Inheritance: Autosomal recessive inheritance.

Counsyl
Classification: Likely pathogenic for DE SANCTIS-CACCHIONE SYNDROME. Last evaluated: 2017-06-26. Review status: no assertion criteria provided. Collection method: clinical testing. Allele origin: unknown. Not counted in ClinVar's aggregate classification.

Genomics England Pilot Project, Genomics England
Classification: Likely pathogenic for Cockayne syndrome type 2. Review status: no assertion criteria provided. Criteria: ACGS Guidelines, 2016. Collection method: clinical testing. Allele origin: germline. Affected: yes. Not counted in ClinVar's aggregate classification.

Literature cited by the submitters: PubMed 18628313 (cited by Labcorp Genetics (formerly Invitae), Labcorp); PubMed 29572252 (cited by 5 submitters); PubMed 19894250 (cited by 7 submitters); PubMed 25326635 (cited by Molecular Genetics, Royal Melbourne Hospital and Baylor Genetics); PubMed 27356891 (cited by Counsyl); PubMed 21228398 (cited by Counsyl).

NM_000124.4(ERCC6):c.2167C>T (p.Gln723Ter)

Gene: ERCC6 (ERCC excision repair 6, chromatin remodeling factor; minus strand). Cytogenetic location: 10q11.23.
Variant type: single nucleotide variant.
Coding change: c.2167C>T on transcript NM_000124.4 (MANE Select); coding-DNA position 2167, C replaced by T.
Protein change: p.Gln723Ter; replaces glutamine 723 with a stop codon.
Molecular consequence: nonsense.
Genome position (GRCh38, 1-based): chr10:49,482,689, G>A on the plus strand (C>T on the coding strand, the complement: ERCC6 is on the minus strand). VCF-style: chr10-49482689-G-A. GRCh37 (hg19) VCF-style: chr10-50690735-G-A.
Other names: c.2167C>T, p.Gln723Ter (NM_001346440.2); short protein forms Q723*.
Identifiers: ClinVar variation 190160 (VCV000190160.32), dbSNP rs151242354, ClinGen allele CA274701.